The following is an entry in ClinVar:

NM_001283009.2(RTEL1):c.1936C>T (p.Leu646Phe)

Genes: RTEL1 (regulator of telomere elongation helicase 1; plus strand), RTEL1-TNFRSF6B (RTEL1-TNFRSF6B readthrough (NMD candidate); plus strand). Cytogenetic location: 20q13.33.
Variant type: single nucleotide variant.
Coding change: c.1936C>T on transcript NM_001283009.2 (MANE Select); coding-DNA position 1936, C replaced by T.
Protein change: p.Leu646Phe; replaces leucine 646 with phenylalanine.
Molecular consequence: missense variant. On other transcripts: non-coding transcript variant (1).
Genome position (GRCh38, 1-based): chr20:63,689,559, C>T. VCF-style: chr20-63689559-C-T. GRCh37 (hg19) VCF-style: chr20-62320912-C-T.
Other names: c.1267C>T, p.Leu423Phe (NM_001283010.1); c.1936C>T, p.Leu646Phe (NM_016434.4); c.2008C>T, p.Leu670Phe (NM_032957.5); short protein forms L423F, L646F, L670F.
Identifiers: ClinVar variation 1024207 (VCV001024207.10), dbSNP rs1323023332, ClinGen allele CA409678780.

ClinVar aggregate classification (germline): Uncertain significance. Review status: criteria provided, multiple submitters, no conflicts (2 of 4 stars). 4 submissions from 4 submitters: Uncertain significance (3). 1 of the submissions does not count toward it. Last evaluated 2025-02-04.

Conditions:
Dyskeratosis congenita. Identifiers: Orphanet 1775, MedGen C0265965, MONDO:0015780.
Inborn genetic diseases. Identifiers: MedGen C0950123, MeSH D030342.
Pulmonary fibrosis and/or bone marrow failure, Telomere-related, 3. Also called: PULMONARY FIBROSIS AND/OR BONE MARROW FAILURE SYNDROME, TELOMERE-RELATED, 3. Identifiers: Orphanet 2032, MedGen C4225346, MONDO:0014613, OMIM 616373.
Dyskeratosis congenita, autosomal recessive 5 (DKCB5). Identifiers: MedGen C3554656, MONDO:0014076, OMIM 615190.

Allele frequency attached by ClinVar (database versions not stated): TOPMed below 0.00001; gnomAD 0.00001; gnomAD exomes below 0.00001.
gnomAD v4.1: 7 of 1,611,638 alleles (0.00043%); highest among the groups gnomAD compares: African/African-American, 0.0027%; no homozygotes.

Submissions (4):

Ambry Genetics
Classification: Uncertain significance for Inborn genetic diseases. Last evaluated: 2025-02-04. Review status: criteria provided, single submitter. Criteria: Ambry Variant Classification Scheme 2023. Collection method: clinical testing. Allele origin: germline.
Comment: The p.L646F variant (also known as c.1936C>T), located in coding exon 22 of the RTEL1 gene, results from a C to T substitution at nucleotide position 1936. The leucine at codon 646 is replaced by phenylalanine, an amino acid with highly similar properties. This amino acid position is conserved. In addition, this alteration is predicted to be deleterious by in silico analysis. Based on the available evidence, the clinical significance of this variant remains unclear.

Dasa
Classification: Uncertain significance. Last evaluated: 2024-06-18. Review status: criteria provided, single submitter. Criteria: DASA Assertion Criteria. Collection method: clinical testing. Allele origin: germline.
Comment: NM_001283009.2(RTEL1):c.1936C>T (p.Leu646Phe) is a missense variant that results in the substitution of leucine with phenylalanine. This variant is rare in population databases. Computational prediction algorithms are consistent with a deleterious effect. The currently available literature and clinical evidence are not sufficient to establish a definitive association between this variant and the reported condition. Therefore, this variant is classified as a variant of uncertain significance.

Labcorp Genetics (formerly Invitae), Labcorp
Classification: Uncertain significance for Dyskeratosis congenita, autosomal recessive 5; Pulmonary fibrosis and/or bone marrow failure, Telomere-related, 3. Last evaluated: 2022-09-24. Review status: criteria provided, single submitter. Criteria: Invitae Variant Classification Sherloc (09022015). Collection method: clinical testing. Allele origin: germline.
Comment: This sequence change replaces leucine, which is neutral and non-polar, with phenylalanine, which is neutral and non-polar, at codon 646 of the RTEL1 protein (p.Leu646Phe). This variant is not present in population databases (gnomAD no frequency). This variant has not been reported in the literature in individuals affected with RTEL1-related conditions. ClinVar contains an entry for this variant (Variation ID: 1024207). Algorithms developed to predict the effect of missense changes on protein structure and function are either unavailable or do not agree on the potential impact of this missense change (SIFT: "Deleterious"; PolyPhen-2: "Probably Damaging"; Align-GVGD: "Class C0"). In summary, the available evidence is currently insufficient to determine the role of this variant in disease. Therefore, it has been classified as a Variant of Uncertain Significance.

Natera, Inc.
Classification: Uncertain significance for Dyskeratosis congenita. Last evaluated: 2020-04-13. Review status: no assertion criteria provided. Collection method: clinical testing. Allele origin: germline. Not counted in ClinVar's aggregate classification.